The following is an entry in ClinVar:

ClinVar aggregate classification (germline): Likely benign. Review status: criteria provided, multiple submitters, no conflicts (2 of 4 stars). 2 submissions from 2 submitters: Likely benign (2). Last evaluated 2026-09-02.

Conditions:
INSR-related disorder.

Allele frequency attached by ClinVar (database versions not stated): ExAC 0.00002; gnomAD exomes 0.00002; gnomAD 0.00007 and 0.00009; ESP Exome Variant Server 0.00008; TOPMed 0.00012.
gnomAD v4.1: 42 of 1,613,984 alleles (0.0026%); highest among the groups gnomAD compares: African/African-American, 0.031%; no homozygotes.

Submissions (2):

PreventionGenetics, part of Exact Sciences
Classification: Likely benign for INSR-related condition. Last evaluated: 2026-09-02. Review status: criteria provided, single submitter. Criteria: ACMG Guidelines, 2015. Collection method: clinical testing. Allele origin: germline.
Comment: This variant is classified as likely benign based on ACMG/AMP sequence variant interpretation guidelines (Richards et al. 2015 PMID: 25741868, with internal and published modifications).

Labcorp Genetics (formerly Invitae), Labcorp
Classification: Likely benign. Last evaluated: 2018-05-17. Review status: criteria provided, single submitter. Criteria: Invitae Variant Classification Sherloc (09022015). Collection method: clinical testing. Allele origin: germline.

NM_000208.4(INSR):c.3102C>T (p.Phe1034=)

Gene: INSR (insulin receptor; minus strand). Cytogenetic location: 19p13.2.
Variant type: single nucleotide variant.
Coding change: c.3102C>T on transcript NM_000208.4 (MANE Select); coding-DNA position 3102, C replaced by T.
Protein change: p.Phe1034=; no amino-acid change (phenylalanine 1034 retained).
Molecular consequence: synonymous variant.
Genome position (GRCh38, 1-based): chr19:7,125,439, G>A on the plus strand (C>T on the coding strand, the complement: INSR is on the minus strand). VCF-style: chr19-7125439-G-A. GRCh37 (hg19) VCF-style: chr19-7125450-G-A.
Other names: c.3066C>T, p.Phe1022= (NM_001079817.3).
Identifiers: ClinVar variation 741192 (VCV000741192.4), dbSNP rs143521418, ClinGen allele CA9135360.